The following is an entry in ClinVar:

NM_001009944.3(PKD1):c.11406G>A (p.Leu3802=)

Genes: PKD1-AS1 (PKD1 antisense RNA 1; plus strand), PKD1 (polycystin 1, transient receptor potential channel interacting; minus strand). Cytogenetic location: 16p13.3.
Variant type: single nucleotide variant.
Coding change: c.11406G>A on transcript NM_001009944.3 (MANE Select); coding-DNA position 11406, G replaced by A.
Protein change: p.Leu3802=; no amino-acid change (leucine 3802 retained).
Molecular consequence: synonymous variant.
Genome position (GRCh38, 1-based): chr16:2,092,052, C>T on the plus strand (G>A on the coding strand, the complement: PKD1 is on the minus strand). VCF-style: chr16-2092052-C-T. GRCh37 (hg19) VCF-style: chr16-2142053-C-T.
Other names: c.11403G>A, p.Leu3801= (NM_000296.4).
Identifiers: ClinVar variation 2645985 (VCV002645985.24), dbSNP rs1441305804, ClinGen allele CA493044888.

ClinVar aggregate classification (germline): Likely benign (1 of 4 stars; one submission).

Allele frequency attached by ClinVar (database versions not stated): gnomAD exomes below 0.00001.
gnomAD v4.1: 5 of 1,612,832 alleles (0.00031%); highest among the groups gnomAD compares: Non-Finnish European, 0.00042%; no homozygotes.

Submission:

CeGaT Center for Human Genetics Tuebingen
Classification: Likely benign. Last evaluated: 2023-02-01. Review status: criteria provided, single submitter. Criteria: CeGaT Center For Human Genetics Tuebingen Variant Classification Criteria Version 2. Collection method: clinical testing. Allele origin: germline. Affected: yes. Observed: 1 variant allele.
Comment: PKD1: BP4, BP7